The following is an entry in ClinVar:

ClinVar aggregate classification (germline): Uncertain significance (1 of 4 stars; one submission).

Conditions:
FG syndrome (FGS). Identifiers: MedGen C0220769, MONDO:0002010.

Submission:

Labcorp Genetics (formerly Invitae), Labcorp
Classification: Uncertain significance for FG syndrome. Last evaluated: 2021-06-14. Review status: criteria provided, single submitter. Criteria: Invitae Variant Classification Sherloc (09022015). Collection method: clinical testing. Allele origin: germline.
Comment: Algorithms developed to predict the effect of missense changes on protein structure and function are either unavailable or do not agree on the potential impact of this missense change (SIFT: "Deleterious"; PolyPhen-2: "Probably Damaging"; Align-GVGD: "Class C0"). In summary, the available evidence is currently insufficient to determine the role of this variant in disease. Therefore, it has been classified as a Variant of Uncertain Significance. This variant has not been reported in the literature in individuals with MED12-related conditions. This variant is not present in population databases (ExAC no frequency). This sequence change replaces arginine with leucine at codon 1912 of the MED12 protein (p.Arg1912Leu). The arginine residue is highly conserved and there is a moderate physicochemical difference between arginine and leucine.

NM_005120.3(MED12):c.5735G>T (p.Arg1912Leu)

Gene: MED12 (mediator complex subunit 12; plus strand). Cytogenetic location: Xq13.1.
Variant type: single nucleotide variant.
Coding change: c.5735G>T on transcript NM_005120.3 (MANE Select); coding-DNA position 5735, G replaced by T.
Protein change: p.Arg1912Leu; replaces arginine 1912 with leucine.
Molecular consequence: missense variant.
Genome position (GRCh38, 1-based): chrX:71,137,370, G>T. VCF-style: chrX-71137370-G-T. GRCh37 (hg19) VCF-style: chrX-70357220-G-T.
Other names: short protein forms R1912L.
Identifiers: ClinVar variation 1400269 (VCV001400269.8), dbSNP rs767294730, ClinGen allele CA413537633.